The following is an entry in ClinVar:

NM_001384900.1(SEMA3D):c.711G>T (p.Trp237Cys)

Gene: SEMA3D (semaphorin 3D; minus strand). Cytogenetic location: 7q21.11.
Variant type: single nucleotide variant.
Coding change: c.711G>T on transcript NM_001384900.1 (MANE Select); coding-DNA position 711, G replaced by T.
Protein change: p.Trp237Cys; replaces tryptophan 237 with cysteine.
Molecular consequence: missense variant.
Genome position (GRCh38, 1-based): chr7:85,065,431, C>A on the plus strand (G>T on the coding strand, the complement: SEMA3D is on the minus strand). VCF-style: chr7-85065431-C-A. GRCh37 (hg19) VCF-style: chr7-84694747-C-A.
Other names: c.711G>T, p.Trp237Cys (NM_001384901.1, NM_001384902.1, NM_001384903.1 and 1 more transcripts); short protein forms W237C.
Identifiers: ClinVar variation 4998699 (VCV004998699.1).

ClinVar aggregate classification (germline): Uncertain significance (1 of 4 stars; one submission).

Conditions:
SEMA3D-related disorder. Also called: SEMA3D-related condition.

gnomAD v4.1: 3 of 1,612,894 alleles (0.00019%); highest among the groups gnomAD compares: Admixed American, 0.0017%; no homozygotes.

Submission:

PreventionGenetics, part of Exact Sciences
Classification: Uncertain significance for SEMA3D-related condition. Last evaluated: 2024-12-23. Review status: criteria provided, single submitter. Criteria: ACMG Guidelines, 2015. Collection method: clinical testing. Allele origin: germline.
Comment: The SEMA3D c.711G>T variant is predicted to result in the amino acid substitution p.Trp237Cys. To our knowledge, this variant has not been reported in the literature. This variant is reported in 0.0% of alleles in individuals of African descent in gnomAD. At this time, the clinical significance of this variant is uncertain due to the absence of conclusive functional and genetic evidence.